The following is an entry in ClinVar:

NM_019892.6(INPP5E):c.844G>A (p.Gly282Arg)

Gene: INPP5E (inositol polyphosphate-5-phosphatase E; minus strand). Cytogenetic location: 9q34.3.
Variant type: single nucleotide variant.
Coding change: c.844G>A on transcript NM_019892.6 (MANE Select); coding-DNA position 844, G replaced by A.
Protein change: p.Gly282Arg; replaces glycine 282 with arginine.
Molecular consequence: missense variant.
Genome position (GRCh38, 1-based): chr9:136,434,832, C>T on the plus strand (G>A on the coding strand, the complement: INPP5E is on the minus strand). VCF-style: chr9-136434832-C-T. GRCh37 (hg19) VCF-style: chr9-139329284-C-T.
Other names: c.844G>A (NM_019892.5); c.844G>A, p.Gly282Arg (NM_001318502.2); short protein forms G282R.
Identifiers: ClinVar variation 967675 (VCV000967675.13), dbSNP rs138068434, ClinGen allele CA5337054.

ClinVar aggregate classification (germline): Conflicting classifications of pathogenicity. Review status: criteria provided, conflicting classifications (1 of 4 stars). 4 submissions from 4 submitters: Likely pathogenic (1); Uncertain significance (2). 1 of the submissions does not count toward it. Last evaluated 2025-12-15.

Conditions:
INPP5E-related disorder. Also called: INPP5E-related condition.
Joubert syndrome 1 (JBTS1). Also called: Cerebellooculorenal syndrome 1; CEREBELLOPARENCHYMAL DISORDER IV. Identifiers: MedGen C4551568, MONDO:0008944, OMIM 213300.
MORM syndrome (MORMS). Identifiers: Orphanet 75858, MedGen C1857802, MONDO:0012423, OMIM 610156.
Joubert syndrome. Also called: Familial aplasia of the vermis; JOUBERT-BOLTSHAUSER SYNDROME. Identifiers: Orphanet 475, MedGen C5979921, MONDO:0018772.

Allele frequency attached by ClinVar (database versions not stated): gnomAD exomes 0.00010; TOPMed 0.00015; 1000 Genomes Project 30x 0.00016; gnomAD 0.00016 and 0.00018; ExAC 0.00020; ESP Exome Variant Server 0.00023.

Submissions (4):

Labcorp Genetics (formerly Invitae), Labcorp
Classification: Likely pathogenic for Joubert syndrome. Last evaluated: 2025-12-15. Review status: criteria provided, single submitter. Criteria: Invitae Variant Classification Sherloc (09022015). Collection method: clinical testing. Allele origin: germline.
Comment: This sequence change replaces glycine, which is neutral and non-polar, with arginine, which is basic and polar, at codon 282 of the INPP5E protein (p.Gly282Arg). This variant is present in population databases (rs138068434, gnomAD 0.02%). This missense change has been observed in individual(s) with retinal dystrophy (PMID: 29555955). In at least one individual the data is consistent with being in trans (on the opposite chromosome) from a pathogenic variant. ClinVar contains an entry for this variant (Variation ID: 967675). Invitae Evidence Modeling of protein sequence and biophysical properties (such as structural, functional, and spatial information, amino acid conservation, physicochemical variation, residue mobility, and thermodynamic stability) has been performed for this missense variant. However, the output from this modeling did not meet the statistical confidence thresholds required to predict the impact of this variant on INPP5E protein function. In summary, the currently available evidence indicates that the variant is pathogenic, but additional data are needed to prove that conclusively. Therefore, this variant has been classified as Likely Pathogenic.

Fulgent Genetics
Classification: Uncertain significance for Joubert syndrome 1; MORM syndrome. Last evaluated: 2023-12-28. Review status: criteria provided, single submitter. Criteria: ACMG Guidelines, 2015. Collection method: clinical testing. Allele origin: germline.

Blueprint Genetics
Classification: Uncertain significance. Last evaluated: 2022-08-12. Review status: criteria provided, single submitter. Criteria: ACMG Guidelines, 2015. Collection method: clinical testing. Allele origin: germline.

PreventionGenetics, part of Exact Sciences
Classification: Uncertain significance for INPP5E-related condition. Last evaluated: 2024-07-15. Review status: no assertion criteria provided. Collection method: clinical testing. Allele origin: germline. Not counted in ClinVar's aggregate classification.
Comment: The INPP5E c.844G>A variant is predicted to result in the amino acid substitution p.Gly282Arg. This variant has been reported in the compound heterozygous state as a variant of uncertain significance in a patient with macular and cone/cone-rod dystrophy (Birtel et al. 2018. PubMed ID: 29555955). This variant is reported in 0.021% of alleles in individuals of African descent in gnomAD. At this time, the clinical significance of this variant is uncertain due to the absence of conclusive functional and genetic evidence.

Literature cited by the submitters: PubMed 29555955 (cited by Labcorp Genetics (formerly Invitae), Labcorp).